The following is an entry in ClinVar:

ClinVar aggregate classification (germline): Uncertain significance (1 of 4 stars; one submission).

Conditions:
Early Myoclonic Encephalopathy. Identifiers: MedGen C0270855.

Allele frequency attached by ClinVar (database versions not stated): ExAC 0.00001; gnomAD exomes 0.00001.
gnomAD v4.1: 16 of 1,599,382 alleles (0.001%); highest among the groups gnomAD compares: Non-Finnish European, 0.0014%; no homozygotes.

Submission:

Labcorp Genetics (formerly Invitae), Labcorp
Classification: Uncertain significance for Early Myoclonic Encephalopathy. Last evaluated: 2023-07-07. Review status: criteria provided, single submitter. Criteria: Invitae Variant Classification Sherloc (09022015). Collection method: clinical testing. Allele origin: germline.
Comment: In summary, the available evidence is currently insufficient to determine the role of this variant in disease. Therefore, it has been classified as a Variant of Uncertain Significance. This variant has not been reported in the literature in individuals affected with JMJD1C-related conditions. The frequency data for this variant in the population databases is considered unreliable, as metrics indicate poor data quality at this position in the gnomAD database. This sequence change falls in intron 1 of the JMJD1C gene. It does not directly change the encoded amino acid sequence of the JMJD1C protein. It affects a nucleotide within the consensus splice site. ClinVar contains an entry for this variant (Variation ID: 970281). Variants that disrupt the consensus splice site are a relatively common cause of aberrant splicing (PMID: 17576681, 9536098). Algorithms developed to predict the effect of sequence changes on RNA splicing suggest that this variant may disrupt the consensus splice site.

Literature cited by the submitters: PubMed 17576681; PubMed 9536098.

NM_032776.3(JMJD1C):c.168+5G>A

Genes: JMJD1C (jumonji domain containing 1C; minus strand), JMJD1C-AS1 (JMJD1C antisense RNA 1; plus strand). Cytogenetic location: 10q21.3.
Variant type: single nucleotide variant.
Coding change: c.168+5G>A on transcript NM_032776.3 (MANE Select); 5 bases into the intron after coding-DNA position 168, G replaced by A.
Molecular consequence: intron variant. On other transcripts: non-coding transcript variant (1).
Genome position (GRCh38, 1-based): chr10:63,465,490, C>T on the plus strand (G>A on the coding strand, the complement: JMJD1C is on the minus strand). VCF-style: chr10-63465490-C-T. GRCh37 (hg19) VCF-style: chr10-65225250-C-T.
Other names: c.-384+56248G>A (NM_001322258.2); c.-379+56248G>A (NM_001318154.2); c.168+5G>A (NM_001322252.2).
Identifiers: ClinVar variation 970281 (VCV000970281.8), dbSNP rs773770549, ClinGen allele CA5519187.
Genomic context (GRCh38, chr10:63,465,490, plus strand): 5'-AAGGTACGTCTGCGAGAGCCGGGTGCGGGCGCGGCAGGGGAAAAGGGGGGCGCTGACTCT[C>T]TTACCGCCAGGTCCGGATTGCGGCTGTCCCTGTGTGACACGGCTCGGATGACCCCCGCTC-3'